The following is an entry in ClinVar:

NM_004595.5(SMS):c.482T>C (p.Ile161Thr)

Gene: SMS (spermine synthase; plus strand). Cytogenetic location: Xp22.11.
Variant type: single nucleotide variant.
Coding change: c.482T>C on transcript NM_004595.5 (MANE Select); coding-DNA position 482, T replaced by C.
Protein change: p.Ile161Thr; replaces isoleucine 161 with threonine.
Molecular consequence: missense variant.
Genome position (GRCh38, 1-based): chrX:21,977,213, T>C. VCF-style: chrX-21977213-T-C. GRCh37 (hg19) VCF-style: chrX-21995331-T-C.
Other names: c.323T>C, p.Ile108Thr (NM_001258423.2); short protein forms I108T, I161T.
Identifiers: ClinVar variation 4532181 (VCV004532181.1).

ClinVar aggregate classification (germline): Uncertain significance (1 of 4 stars; one submission).

Conditions:
Intellectual developmental disorder, X-linked, syndromic, Snyder-Robinson type. Also called: X-linked mental retardation Snyder - Robinson type; SNYDER-ROBINSON MENTAL RETARDATION SYNDROME; Spermine synthase deficiency; Syndromic X-linked intellectual disability Snyder type. Identifiers: Orphanet 3063, MedGen C0796160, MONDO:0010664, OMIM 309583.

Submission:

Victorian Clinical Genetics Services, Murdoch Childrens Research Institute
Classification: Uncertain significance for Intellectual developmental disorder, X-linked, syndromic, Snyder-Robinson type. Last evaluated: 2025-11-05. Review status: criteria provided, single submitter. Criteria: ACMG Guidelines, 2015. Collection method: clinical testing. Allele origin: germline. Affected: yes.
Comment: This variant is classified as VUS-3A. Evidence in support of pathogenic classification: Variant is absent from gnomAD (v2, v3 and v4); Missense variant predicted to be damaging by in silico tool(s) or highly conserved with a major amino acid change. Additional information: Variant is predicted to result in a missense amino acid change from Ile to Thr; This variant is hemizygous; This gene is associated with X-linked recessive disease; Alternative amino acid change(s) at the same position are present in gnomAD (highest allele count: v4: 1 heterozygote(s), 0 homozygote(s), 0 hemizygote(s)); This variant has no previous evidence of pathogenicity; No published evidence of segregation with disease has been identified for this variant; No published functional evidence has been identified for this variant; No comparable missense variants have previous evidence for pathogenicity; Variant is located in the annotated spermidine synthase tetramerisation domain (DECIPHER); Loss of function is a known mechanism of disease in this gene and is associated with intellectual developmental disorder, X-linked syndromic, Snyder-Robinson type (MIM#309583).